The following is an entry in ClinVar:

NM_024678.6(NARS2):c.959+273_959+274del

Gene: NARS2 (asparaginyl-tRNA synthetase 2, mitochondrial; minus strand). Cytogenetic location: 11q14.1.
Variant type: Deletion.
Coding change: c.959+273_959+274del on transcript NM_024678.6 (MANE Select); bases 273 to 274 of the intron after coding-DNA position 959, 2 bases deleted (AT; older notation c.959+273_959+274delAT).
Molecular consequence: intron variant.
Genome position (GRCh38, 1-based): chr11:78,478,164-78,478,165, AT deleted on the plus strand (AT on the coding strand, the reverse complement: NARS2 is on the minus strand); deleting any 2 consecutive bases within chr11:78,478,164-78,478,166 gives the same sequence; the c. name uses the placement nearest the transcript's 3' end. VCF-style (leftmost placement, unchanged base first): chr11-78478163-AAT-A. GRCh37 (hg19) VCF-style: chr11-78189209-AAT-A.
Other names: c.278+273_278+274del (NM_001243251.2).
Identifiers: ClinVar variation 673195 (VCV000673195.1), dbSNP rs145427869, ClinGen allele CA225101782.

ClinVar aggregate classification (germline): Benign (1 of 4 stars; one submission).

Submission:

GeneDx
Classification: Benign. Last evaluated: 2018-06-14. Review status: criteria provided, single submitter. Criteria: GeneDx Variant Classification (06012015). Collection method: clinical testing. Allele origin: germline. Affected: yes.
Comment: This variant is considered likely benign or benign based on one or more of the following criteria: it is a conservative change, it occurs at a poorly conserved position in the protein, it is predicted to be benign by multiple in silico algorithms, and/or has population frequency not consistent with disease.